The following is an entry in ClinVar:

ClinVar aggregate classification (germline): Uncertain significance (1 of 4 stars; one submission).

Conditions:
Epidermolysis bullosa simplex 5B, with muscular dystrophy (EBS5B). Also called: EPIDERMOLYSIS BULLOSA SIMPLEX AND LIMB-GIRDLE MUSCULAR DYSTROPHY; Epidermolysis bullosa simplex with muscular dystrophy. Identifiers: Orphanet 257, MedGen C2931072, MONDO:0009181, OMIM 226670.
Epidermolysis bullosa simplex with nail dystrophy (EBS5D). Identifiers: MedGen C4225309, MONDO:0014661, OMIM 616487.
Epidermolysis bullosa simplex, Ogna type (EBS5A). Also called: Pidermolysis bullosa simplex 5A, Ogna type; EPIDERMOLYSIS BULLOSA SIMPLEX 5A, OGNA TYPE. Identifiers: Orphanet 79401, MedGen C0432317, MONDO:0007555, OMIM 131950.
Epidermolysis bullosa simplex 5C, with pyloric atresia (EBS5C). Also called: PLEC-Related Epidermolysis Bullosa with Pyloric Atresia; Epidermolysis bullosa simplex with pyloric atresia; PLEC1-Related Epidermolysis Bullosa with Pyloric Atresia. Identifiers: Orphanet 158684, MedGen C2677349, MONDO:0012807, OMIM 612138.
Autosomal recessive limb-girdle muscular dystrophy type 2Q (LGMDR17). Also called: MUSCULAR DYSTROPHY, LIMB-GIRDLE, AUTOSOMAL RECESSIVE 17. Identifiers: Orphanet 254361, MedGen C3150989, MONDO:0013390, OMIM 613723.

Allele frequency attached by ClinVar (database versions not stated): gnomAD exomes 0.00001.
gnomAD v4.1: 2 of 1,596,062 alleles (0.00013%); highest among the groups gnomAD compares: Non-Finnish European, 0.00017%; no homozygotes.

Submission:

Labcorp Genetics (formerly Invitae), Labcorp
Classification: Uncertain significance for Autosomal recessive limb-girdle muscular dystrophy type 2Q; Epidermolysis bullosa simplex, Ogna type; Epidermolysis bullosa simplex with nail dystrophy; Epidermolysis bullosa simplex 5C, with pyloric atresia; Epidermolysis bullosa simplex 5B, with muscular dystrophy. Last evaluated: 2022-06-26. Review status: criteria provided, single submitter. Criteria: Invitae Variant Classification Sherloc (09022015). Collection method: clinical testing. Allele origin: germline.
Comment: This sequence change replaces proline, which is neutral and non-polar, with serine, which is neutral and polar, at codon 3211 of the PLEC protein (p.Pro3211Ser). This variant is present in population databases (no rsID available, gnomAD 0.002%). This variant has not been reported in the literature in individuals affected with PLEC-related conditions. Algorithms developed to predict the effect of missense changes on protein structure and function (SIFT, PolyPhen-2, Align-GVGD) all suggest that this variant is likely to be disruptive. In summary, the available evidence is currently insufficient to determine the role of this variant in disease. Therefore, it has been classified as a Variant of Uncertain Significance.

NM_201384.3(PLEC):c.9550C>T (p.Pro3184Ser)

Gene: PLEC (plectin; minus strand). Cytogenetic location: 8q24.3.
Variant type: single nucleotide variant.
Coding change: c.9550C>T on transcript NM_201384.3 (MANE Select); coding-DNA position 9550, C replaced by T.
Protein change: p.Pro3184Ser; replaces proline 3184 with serine.
Molecular consequence: missense variant.
Genome position (GRCh38, 1-based): chr8:143,920,271, G>A on the plus strand (C>T on the coding strand, the complement: PLEC is on the minus strand). VCF-style: chr8-143920271-G-A. GRCh37 (hg19) VCF-style: chr8-144994439-G-A.
Other names: c.9631C>T, p.Pro3211Ser (NM_000445.5); c.9508C>T, p.Pro3170Ser (NM_201378.4); c.9484C>T, p.Pro3162Ser (NM_201379.3); c.9961C>T, p.Pro3321Ser (NM_201380.4); c.9454C>T, p.Pro3152Ser (NM_201381.3); c.9550C>T, p.Pro3184Ser (NM_201382.4); c.9562C>T, p.Pro3188Ser (NM_201383.3); short protein forms P3162S, P3321S, P3170S, P3184S, P3188S, P3152S, P3211S.
Identifiers: ClinVar variation 1522269 (VCV001522269.6), dbSNP rs782221033, ClinGen allele CA372508080.